The following is an entry in ClinVar:

ClinVar aggregate classification (germline): Pathogenic/Likely pathogenic. Review status: criteria provided, multiple submitters, no conflicts (2 of 4 stars). 2 submissions from 2 submitters: Pathogenic (1); Likely pathogenic (1). Last evaluated 2024-01-05.

Conditions:
Familial cancer of breast. Also called: hereditary breast carcinoma; BREAST CANCER, FAMILIAL; Hereditary breast cancer. Identifiers: Orphanet 227535, MedGen C0346153, MONDO:0016419, OMIM 114480. Disease mechanism: loss of function.

Submissions (2):

Myriad Genetics, Inc.
Classification: Pathogenic for Familial cancer of breast. Last evaluated: 2024-01-05. Review status: criteria provided, single submitter. Criteria: Myriad Autosomal Dominant, Autosomal Recessive and X-Linked Classification Criteria (2023). Collection method: clinical testing. Allele origin: unknown.
Comment: This variant is considered pathogenic. This variant creates a frameshift predicted to result in premature protein truncation.

Baylor Genetics
Classification: Likely pathogenic for Familial cancer of breast. Last evaluated: 2023-01-04. Review status: criteria provided, single submitter. Criteria: ACMG Guidelines, 2015. Collection method: clinical testing. Allele origin: unknown.

NM_000051.4(ATM):c.15del (p.Asn6fs)

Gene: ATM (ATM serine/threonine kinase; plus strand). Cytogenetic location: 11q22.3.
Variant type: Deletion.
Coding change: c.15del on transcript NM_000051.4 (MANE Select); coding-DNA position 15, one base deleted (T; older notation c.15delT).
Protein change: p.Asn6fs; shifts the reading frame from asparagine 6.
Molecular consequence: frameshift variant.
Genome position (GRCh38, 1-based): chr11:108,227,639, T deleted; the last of 2 consecutive T bases (chr11:108,227,638-108,227,639); deleting either gives the same sequence. VCF-style (leftmost placement, unchanged base first): chr11-108227637-CT-C. GRCh37 (hg19) VCF-style: chr11-108098364-CT-C.
Other names: c.15del, p.Asn6fs (NM_001351834.2, NM_001351835.2, NM_001351836.2); short protein forms N6fs.
Identifiers: ClinVar variation 2679751 (VCV002679751.2), dbSNP rs876660842, ClinGen allele CA2695199018.